The following is an entry in ClinVar:

NM_001101426.4(CRPPA):c.*450T>A

Gene: CRPPA (CDP-L-ribitol pyrophosphorylase A; minus strand). Cytogenetic location: 7p21.2.
Variant type: single nucleotide variant.
Coding change: c.*450T>A on transcript NM_001101426.4 (MANE Select); 450 bases downstream of the stop codon, T replaced by A.
Molecular consequence: 3 prime UTR variant. On other transcripts: non-coding transcript variant (1).
Genome position (GRCh38, 1-based): chr7:16,091,245, A>T on the plus strand (T>A on the coding strand, the complement: CRPPA is on the minus strand). VCF-style: chr7-16091245-A-T. GRCh37 (hg19) VCF-style: chr7-16130870-A-T.
Other names: c.*450T>A (NM_001101417.4, NM_001368197.1).
Identifiers: ClinVar variation 911858 (VCV000911858.4), dbSNP rs73289965, ClinGen allele CA154724562.

ClinVar aggregate classification (germline): Benign (1 of 4 stars; one submission).

Conditions:
Congenital Muscular Dystrophy, alpha-dystroglycan related.

Allele frequency attached by ClinVar (database versions not stated): 1000 Genomes Project 30x 0.00890; 1000 Genomes Project 0.00919; TOPMed 0.00949.

Submission:

Illumina Laboratory Services, Illumina
Classification: Benign for Congenital Muscular Dystrophy, alpha-dystroglycan related. Last evaluated: 2017-04-27. Review status: criteria provided, single submitter. Criteria: ICSL Variant Classification Criteria 13 December 2019. Collection method: clinical testing. Allele origin: germline.
Comment: This variant was observed as part of a predisposition screen in an ostensibly healthy population. A literature search was performed for the gene, cDNA change, and amino acid change (where applicable). No publications were found based on this search. Allele frequency data from public databases was too high to be consistent with this variant causing disease. Therefore, this variant is classified as benign.